The following is an entry in ClinVar:

NM_006031.6(PCNT):c.6768C>T (p.Ala2256=)

Gene: PCNT (pericentrin; plus strand). Cytogenetic location: 21q22.3.
Variant type: single nucleotide variant.
Coding change: c.6768C>T on transcript NM_006031.6 (MANE Select); coding-DNA position 6768, C replaced by T.
Protein change: p.Ala2256=; no amino-acid change (alanine 2256 retained).
Molecular consequence: synonymous variant.
Genome position (GRCh38, 1-based): chr21:46,416,686, C>T. VCF-style: chr21-46416686-C-T. GRCh37 (hg19) VCF-style: chr21-47836600-C-T.
Other names: c.6414C>T, p.Ala2138= (NM_001315529.2).
Identifiers: ClinVar variation 897631 (VCV000897631.9), dbSNP rs755956494, ClinGen allele CA10080395.

ClinVar aggregate classification (germline): Conflicting classifications of pathogenicity. Review status: criteria provided, conflicting classifications (1 of 4 stars). 3 submissions from 3 submitters: Uncertain significance (1); Likely benign (1). 1 of the submissions does not count toward it. Last evaluated 2025-12-14.

Conditions:
Microcephalic osteodysplastic primordial dwarfism type II (MOPD2). Also called: Microcephalic osteodysplastic primordial dwarfism with tooth abnormalities; MOPD II; OSTEODYSPLASTIC PRIMORDIAL DWARFISM, TYPE II. Identifiers: Orphanet 2637, MedGen C0432246, MONDO:0008872, OMIM 210720.
PCNT-related disorder. Also called: PCNT-related condition.

Allele frequency attached by ClinVar (database versions not stated): gnomAD exomes 0.00003 and 0.00004; TOPMed 0.00003; ExAC 0.00004; gnomAD 0.00004.
gnomAD v4.1: 45 of 1,564,792 alleles (0.0029%); highest among the groups gnomAD compares: Middle Eastern, 0.017%; no homozygotes.

Submissions (3):

Labcorp Genetics (formerly Invitae), Labcorp
Classification: Likely benign. Last evaluated: 2025-12-14. Review status: criteria provided, single submitter. Criteria: Invitae Variant Classification Sherloc (09022015). Collection method: clinical testing. Allele origin: germline.

Illumina Laboratory Services, Illumina
Classification: Uncertain significance for Microcephalic osteodysplastic primordial dwarfism type II. Last evaluated: 2018-01-13. Review status: criteria provided, single submitter. Criteria: ICSL Variant Classification Criteria 13 December 2019. Collection method: clinical testing. Allele origin: germline.

PreventionGenetics, part of Exact Sciences
Classification: Likely benign for PCNT-related condition. Last evaluated: 2021-10-31. Review status: no assertion criteria provided. Collection method: clinical testing. Allele origin: germline. Not counted in ClinVar's aggregate classification.
Comment: This variant is classified as likely benign based on ACMG/AMP sequence variant interpretation guidelines (Richards et al. 2015 PMID: 25741868, with internal and published modifications).